The following is an entry in ClinVar:

ClinVar aggregate classification (germline): Conflicting classifications of pathogenicity. Review status: criteria provided, conflicting classifications (1 of 4 stars). 9 submissions from 9 submitters: Likely pathogenic (1); Uncertain significance (7); Likely benign (1). Last evaluated 2026-01-28.

Conditions:
Hereditary cancer-predisposing syndrome. Also called: Hereditary Cancer Syndrome; Tumor predisposition; Neoplastic Syndromes, Hereditary; Hereditary neoplastic syndrome. Identifiers: Orphanet 140162, MedGen C0027672, MeSH D009386, MONDO:0015356.
Li-Fraumeni syndrome 1 (LFS). Identifiers: Orphanet 524, MedGen C1835398, OMIM 151623, MeSH C538639.
Familial cancer of breast. Also called: hereditary breast carcinoma; BREAST CANCER, FAMILIAL; Hereditary breast cancer. Identifiers: Orphanet 227535, MedGen C0346153, MONDO:0016419, OMIM 114480. Disease mechanism: loss of function.
Familial prostate cancer. Also called: Hereditary Prostate Cancer. Identifiers: MedGen C2931456, MONDO:0700275, OMIM 176807.
Bone osteosarcoma. Also called: Osteosarcoma, somatic. Identifiers: Orphanet 668, MedGen C0585442, MONDO:0002629, OMIM 259500.
CHEK2-related cancer predisposition (TPDS4). Also called: CHEK2-related cancer susceptibility; TUMOR PREDISPOSITION SYNDROME 4; CANCER PREDISPOSITION SYNDROME, CHEK2-RELATED. Identifiers: Orphanet 524, MedGen C5882668, MONDO:0700271, OMIM 609265.

Allele frequency attached by ClinVar (database versions not stated): TOPMed below 0.00001.
gnomAD v4.1: 6 of 1,592,122 alleles (0.00038%); highest among the groups gnomAD compares: Middle Eastern, 0.045%; no homozygotes.

Submissions (9):

Labcorp Genetics (formerly Invitae), Labcorp
Classification: Uncertain significance for Familial cancer of breast. Last evaluated: 2026-01-28. Review status: criteria provided, single submitter. Criteria: Invitae Variant Classification Sherloc (09022015). Collection method: clinical testing. Allele origin: germline.
Comment: This sequence change replaces lysine, which is basic and polar, with asparagine, which is neutral and polar, at codon 494 of the CHEK2 protein (p.Lys494Asn). This variant is present in population databases (no rsID available, gnomAD 0.0009%). This variant has not been reported in the literature in individuals affected with CHEK2-related conditions. ClinVar contains an entry for this variant (Variation ID: 420225). An algorithm developed to predict the effect of missense changes on protein structure and function (PolyPhen-2) suggests that this variant is likely to be tolerated. Experimental studies have shown that this missense change does not substantially affect CHEK2 function (PMID: 37449874). In summary, the available evidence is currently insufficient to determine the role of this variant in disease. Therefore, it has been classified as a Variant of Uncertain Significance.

Color Diagnostics, LLC DBA Color Health
Classification: Uncertain significance for Hereditary cancer-predisposing syndrome. Last evaluated: 2025-12-17. Review status: criteria provided, single submitter. Criteria: ACMG Guidelines, 2015. Collection method: clinical testing. Allele origin: germline.
Comment: This missense variant replaces lysine with asparagine at codon 494 of the CHEK2 protein. Computational prediction suggests that this variant may not impact protein structure and function. Experimental studies have reported this variant displayed wild-type-like function in CH2 auto-phosphorylation and KAP1 protein kinase assays (PMID: 37449874). This variant has not been reported in individuals affected with CHEK2-related disorders in the literature. This variant has been identified in 6/1592122 chromosomes in the general population by the Genome Aggregation Database (gnomAD). The available evidence is insufficient to determine the role of this variant in disease conclusively. Therefore, this variant is classified as a Variant of Uncertain Significance.

Women's Health and Genetics/Laboratory Corporation of America, LabCorp
Classification: Uncertain significance. Last evaluated: 2024-05-09. Review status: criteria provided, single submitter. Criteria: LabCorp Variant Classification Summary - May 2015. Collection method: clinical testing. Allele origin: germline.
Comment: Variant summary: CHEK2 c.1482G>C (p.Lys494Asn) results in a non-conservative amino acid change in the encoded protein sequence. Three of five in-silico tools predict a benign effect of the variant on protein function. The variant allele was found at a frequency of 4.3e-06 in 233586 control chromosomes (gnomAD). The available data on variant occurrences in the general population are insufficient to allow any conclusion about variant significance. c.1482G>C has been reported in the literature in individuals affected with breast cancer, with a family history of breast and/or ovarian cancer, and in at least one individual with soft tissue sarcoma and a family history of cancer suggestive of Li-Fraumeni syndrome (Stolarova_2023, Valiante_2022). These reports do not provide unequivocal conclusions about association of the variant with hereditary breast and ovarian cancer syndrome. An experimental study using two complementary functional assays for quantification of the catalytic activity of CHK2 in vitro found no damaging effect of this variant compared to the WT protein (Stolarova_2023). ClinVar contains an entry for this variant (Variation ID: 420225). The following publications have been ascertained in the context of this evaluation (PMID: 37449874). Based on the evidence outlined above, the variant was classified as uncertain significance.

Ambry Genetics
Classification: Likely benign for Hereditary cancer-predisposing syndrome. Last evaluated: 2024-02-15. Review status: criteria provided, single submitter. Criteria: Ambry Variant Classification Scheme 2023. Collection method: clinical testing. Allele origin: germline.

Fulgent Genetics
Classification: Uncertain significance for Familial prostate cancer; Bone osteosarcoma; CHEK2-related cancer predisposition. Last evaluated: 2024-01-09. Review status: criteria provided, single submitter. Criteria: ACMG Guidelines, 2015. Collection method: clinical testing. Allele origin: germline.

Quest Diagnostics Nichols Institute San Juan Capistrano
Classification: Uncertain significance. Last evaluated: 2023-12-27. Review status: criteria provided, single submitter. Criteria: Quest Diagnostics criteria. Collection method: clinical testing. Allele origin: unknown.
Comment: The CHEK2 c.1482G>C (p.Lys494Asn) variant has been reported in the published literature in individuals affected with Li-Fraumeni syndrome (Valiante, M et al 2022, SN Comprehensive Clinical Medicine 4:74), and breast cancer (PMID: 37449874 (2023)). Assessment of experimental evidence regarding the effect of this variant on protein function suggests it has no effect relevant to disease (PMID: 37449874 (2023)). The frequency of this variant in the general population, 0.0000043 (1/233586 chromosomes (Genome Aggregation Database)), is uninformative in the assessment of its pathogenicity. Analysis of this variant using bioinformatics tools for the prediction of the effect of amino acid changes on protein structure and function yielded predictions that this variant is benign. Based on the available information, we are unable to determine the clinical significance of this variant

GeneDx
Classification: Uncertain significance. Last evaluated: 2023-09-08. Review status: criteria provided, single submitter. Criteria: GeneDx Variant Classification Process June 2021. Collection method: clinical testing. Allele origin: germline. Affected: yes.
Comment: Not observed at significant frequency in large population cohorts (gnomAD); In silico analysis supports that this missense variant does not alter protein structure/function; Has not been previously published as pathogenic or benign to our knowledge; This variant is associated with the following publications: (PMID: 19782031, 22419737)

KCCC/NGS Laboratory, Kuwait Cancer Control Center
Classification: Uncertain significance for Familial cancer of breast. Last evaluated: 2023-07-07. Review status: criteria provided, single submitter. Criteria: ACMG Guidelines, 2015. Collection method: clinical testing. Allele origin: unknown. Affected: yes.
Comment: A variant of uncertain significance was detected in the CHEK2 gene (c.1482G>C). This sequence change replaces lysine with asparagine at codon 494 of the CHEK2 protein (p.Lys494Asn). This variant is not present in population databases (gnomAD). This variant has not been reported in the literature in individuals with CHEK2-related disease. ClinVar contains an entry for this variant (Variation ID: 420225) with 6 submissions, all of which describe this variant as of uncertain significance. In-silico predictions show benign computational verdict based on 8 benign predictions from BayesDel_addAF, DANN, DEOGEN2, EIGEN, MVP, MutationAssessor, PrimateAI and SIFT vs 4 pathogenic predictions from FATHMM-MKL, LIST-S2, M-CAP and MutationTaster and the position is not highly conserved. These predictions have not been confirmed by published functional studies and their clinical significance is uncertain. Therefore, it has been classified as a Variant of Uncertain Significance.

Unit of Medical Genetics, Department  of Laboratory Medicine, San Giovanni Calibita Fatebenefratelli Hospital
Classification: Likely pathogenic for Li-Fraumeni syndrome 1. Last evaluated: 2020-04-28. Review status: criteria provided, single submitter. Criteria: ACMG Guidelines, 2015. Collection method: clinical testing. Allele origin: germline. Inheritance: Autosomal dominant inheritance. Affected: yes.
Comment: This variant is extremely rare and is located in an hot-spot mutation region.

Literature cited by the submitters: PubMed 37449874 (cited by 5 submitters).

NM_007194.4(CHEK2):c.1482G>C (p.Lys494Asn)

Gene: CHEK2 (checkpoint kinase 2; minus strand). Cytogenetic location: 22q12.1.
Variant type: single nucleotide variant.
Coding change: c.1482G>C on transcript NM_007194.4 (MANE Select); coding-DNA position 1482, G replaced by C.
Protein change: p.Lys494Asn; replaces lysine 494 with asparagine.
Molecular consequence: missense variant.
Genome position (GRCh38, 1-based): chr22:28,689,195, C>G on the plus strand (G>C on the coding strand, the complement: CHEK2 is on the minus strand). VCF-style: chr22-28689195-C-G. GRCh37 (hg19) VCF-style: chr22-29085183-C-G.
Other names: c.1611G>C, p.Lys537Asn (NM_001005735.3); c.819G>C, p.Lys273Asn (NM_001257387.3); c.1281G>C, p.Lys427Asn (NM_001349956.3); c.1395G>C, p.Lys465Asn (NM_145862.3); short protein forms K494N, K427N, K465N, K273N, K537N.
Identifiers: ClinVar variation 420225 (VCV000420225.31), dbSNP rs767043399, ClinGen allele CA16621043.
Genomic context (GRCh38, chr22:28,689,195, plus strand): 5'-CTGGGCTAGAACCTGGGGTAGAGCTGTGGATTCATTTTCCTCAGACAGAAGATCTTGAAA[C>G]TTTCTCTTCATGTCTTCATCCTGTGAGGGAATTAAAAACATAAGTAGCTGTGTCTGAAGG-3'
Protein context (NP_009125.1, residues 484-504): PWLQDEDMKR[Lys494Asn]FQDLLSEENE